The following is an entry in ClinVar:

ClinVar aggregate classification (germline): Likely benign. Review status: criteria provided, multiple submitters, no conflicts (2 of 4 stars). 3 submissions from 3 submitters: Likely benign (3). Last evaluated 2026-01-19.

Allele frequency attached by ClinVar (database versions not stated): ESP Exome Variant Server 0.00008; gnomAD exomes 0.00008 and 0.00009; gnomAD 0.00010 and 0.00011; TOPMed 0.00011; ExAC 0.00013.
gnomAD v4.1: 147 of 1,613,574 alleles (0.0091%); highest among the groups gnomAD compares: Non-Finnish European, 0.011%; no homozygotes.

Submissions (3):

Labcorp Genetics (formerly Invitae), Labcorp
Classification: Likely benign. Last evaluated: 2026-01-19. Review status: criteria provided, single submitter. Criteria: Invitae Variant Classification Sherloc (09022015). Collection method: clinical testing. Allele origin: germline.

Blueprint Genetics
Classification: Likely benign. Last evaluated: 2024-01-23. Review status: criteria provided, single submitter. Criteria: ACMG Guidelines, 2015. Collection method: clinical testing. Allele origin: germline.

CeGaT Center for Human Genetics Tuebingen
Classification: Likely benign. Last evaluated: 2022-08-01. Review status: criteria provided, single submitter. Criteria: CeGaT Center For Human Genetics Tuebingen Variant Classification Criteria Version 2. Collection method: clinical testing. Allele origin: germline. Affected: yes. Observed: 1 variant allele.
Comment: DMXL2: BP4, BP7

NM_001378457.1(DMXL2):c.2508C>T (p.Leu836=)

Gene: DMXL2 (Dmx like 2; minus strand). Cytogenetic location: 15q21.2.
Variant type: single nucleotide variant.
Coding change: c.2508C>T on transcript NM_001378457.1 (MANE Select); coding-DNA position 2508, C replaced by T.
Protein change: p.Leu836=; no amino-acid change (leucine 836 retained).
Molecular consequence: synonymous variant. On other transcripts: non-coding transcript variant (2).
Genome position (GRCh38, 1-based): chr15:51,517,096, G>A on the plus strand (C>T on the coding strand, the complement: DMXL2 is on the minus strand). VCF-style: chr15-51517096-G-A. GRCh37 (hg19) VCF-style: chr15-51809293-G-A.
Other names: c.2508C>T, p.Leu836= (NM_001174116.3, NM_001174117.3, NM_001378458.1 and 6 more transcripts); c.2268C>T, p.Leu756= (NM_001378464.1).
Identifiers: ClinVar variation 1588297 (VCV001588297.34), dbSNP rs145547072, ClinGen allele CA7562358.